The following is an entry in ClinVar:

ClinVar aggregate classification (germline): Likely benign (0 of 4 stars; one submission).

Conditions:
CTBP1-related disorder. Also called: CTBP1-related condition.

Allele frequency attached by ClinVar (database versions not stated): ExAC 0.00001; TOPMed 0.00001; gnomAD 0.00002.
gnomAD v4.1: 7 of 1,610,316 alleles (0.00043%); highest among the groups gnomAD compares: Middle Eastern, 0.017%; no homozygotes.

Submission:

PreventionGenetics, part of Exact Sciences
Classification: Likely benign for CTBP1-related condition. Last evaluated: 2019-03-12. Review status: no assertion criteria provided. Collection method: clinical testing. Allele origin: germline.
Comment: This variant is classified as likely benign based on ACMG/AMP sequence variant interpretation guidelines (Richards et al. 2015 PMID: 25741868, with internal and published modifications).

NM_001012614.2(CTBP1):c.1106+9G>A

Genes: CTBP1 (C-terminal binding protein 1; minus strand), CTBP1-AS (CTBP1 antisense RNA; plus strand). Cytogenetic location: 4p16.3.
Variant type: single nucleotide variant.
Coding change: c.1106+9G>A on transcript NM_001012614.2 (MANE Select); 9 bases into the intron after coding-DNA position 1106, G replaced by A.
Molecular consequence: intron variant.
Genome position (GRCh38, 1-based): chr4:1,212,904, C>T on the plus strand (G>A on the coding strand, the complement: CTBP1 is on the minus strand). VCF-style: chr4-1212904-C-T. GRCh37 (hg19) VCF-style: chr4-1206692-C-T.
Other names: c.1106+9G>A (NM_001377192.1, NM_001377189.1, NM_001377193.1 and 4 more transcripts); c.1139+9G>A (NM_001328.3, NM_001377186.1).
Identifiers: ClinVar variation 3057466 (VCV003057466.2), dbSNP rs757736562, ClinGen allele CA2804183.
Genomic context (GRCh38, chr4:1,212,904, plus strand): 5'-GCTGTGCTGGGATCCAGGGGAAGCCTGGGGCCCTCCTGGAGGCTGTTCTGGGCCAGCGGG[C>T]CTGCTCACCTATAGGCAGCCCCATTGAGCTCAGGGTGCACGACGGCGGGGTCCATGCTGG-3'